The following is an entry in ClinVar:

NM_000179.3(MSH6):c.3069A>G (p.Glu1023=)

Gene: MSH6 (mutS homolog 6; plus strand). Cytogenetic location: 2p16.3.
Variant type: single nucleotide variant.
Coding change: c.3069A>G on transcript NM_000179.3 (MANE Select); coding-DNA position 3069, A replaced by G.
Protein change: p.Glu1023=; no amino-acid change (glutamic acid 1023 retained).
Molecular consequence: synonymous variant.
Genome position (GRCh38, 1-based): chr2:47,801,052, A>G. VCF-style: chr2-47801052-A-G. GRCh37 (hg19) VCF-style: chr2-48028191-A-G.
Other names: c.2679A>G, p.Glu893= (NM_001281492.2); c.2163A>G, p.Glu721= (NM_001281493.2, NM_001281494.2).
Identifiers: ClinVar variation 230051 (VCV000230051.16), dbSNP rs876658356, ClinGen allele CA10578128.

ClinVar aggregate classification (germline): Benign/Likely benign. Review status: criteria provided, multiple submitters, no conflicts (2 of 4 stars). 4 submissions from 4 submitters: Benign (1); Likely benign (3). Last evaluated 2025-07-18.

Conditions:
Hereditary nonpolyposis colorectal neoplasms. Identifiers: MedGen C0009405, MeSH D003123.
Hereditary cancer-predisposing syndrome. Also called: Hereditary neoplastic syndrome; Hereditary Cancer Syndrome; Neoplastic Syndromes, Hereditary; Tumor predisposition. Identifiers: Orphanet 140162, MedGen C0027672, MeSH D009386, MONDO:0015356.
Lynch syndrome. Identifiers: Orphanet 144, MedGen C4552100, MONDO:0005835. Disease mechanism: loss of function.
Lynch syndrome 5 (LYNCH5). Also called: Colorectal cancer, hereditary nonpolyposis, type 5; Hereditary non-polyposis colorectal cancer, type 5. Identifiers: Orphanet 144, MedGen C1833477, MONDO:0013710, OMIM 614350. Disease mechanism: loss of function.

Allele frequency attached by ClinVar (database versions not stated): gnomAD exomes below 0.00001.
gnomAD v4.1: 4 of 1,602,768 alleles (0.00025%); highest among the groups gnomAD compares: Non-Finnish European, 0.00034%; no homozygotes.

Submissions (4):

Labcorp Genetics (formerly Invitae), Labcorp
Classification: Likely benign for Hereditary nonpolyposis colorectal neoplasms. Last evaluated: 2025-07-18. Review status: criteria provided, single submitter. Criteria: Invitae Variant Classification Sherloc (09022015). Collection method: clinical testing. Allele origin: germline.

Myriad Genetics, Inc.
Classification: Benign for Lynch syndrome 5. Last evaluated: 2025-01-02. Review status: criteria provided, single submitter. Criteria: Myriad Autosomal Dominant, Autosomal Recessive and X-Linked Classification Criteria (2023). Collection method: clinical testing. Allele origin: unknown.
Comment: This variant is considered benign. This variant is a silent/synonymous amino acid change and it is not expected to impact splicing.

All of Us Research Program, National Institutes of Health
Classification: Likely benign for Lynch syndrome. Last evaluated: 2023-06-26. Review status: criteria provided, single submitter. Criteria: ACMG Guidelines, 2015. Collection method: clinical testing. Allele origin: germline. Inheritance: Autosomal dominant inheritance. Observed: 1 variant allele, 1 heterozygote.
Comment: This study involves interpretation of variants in research participants for the purpose of population health screening. Participant phenotype was not available at the time of variant classification. Additional details can be found in publication PMID: 35346344, PMCID: PMC8962531

Ambry Genetics
Classification: Likely benign for Hereditary cancer-predisposing syndrome. Last evaluated: 2017-05-20. Review status: criteria provided, single submitter. Criteria: Ambry Variant Classification Scheme 2023. Collection method: clinical testing. Allele origin: germline.